The following is an entry in ClinVar:

ClinVar aggregate classification (germline): Uncertain significance (1 of 4 stars; one submission).

Allele frequency attached by ClinVar (database versions not stated): gnomAD exomes below 0.00001; ExAC 0.00001; TOPMed 0.00001.
gnomAD v4.1: 1 of 1,612,992 alleles (0.000062%); highest among the groups gnomAD compares: Admixed American, 0.0017%; no homozygotes.

Submission:

Labcorp Genetics (formerly Invitae), Labcorp
Classification: Uncertain significance. Last evaluated: 2022-08-10. Review status: criteria provided, single submitter. Criteria: Invitae Variant Classification Sherloc (09022015). Collection method: clinical testing. Allele origin: germline.
Comment: This variant has not been reported in the literature in individuals affected with NCSTN-related conditions. This sequence change replaces glutamine, which is neutral and polar, with glutamic acid, which is acidic and polar, at codon 367 of the NCSTN protein (p.Gln367Glu). This variant is present in population databases (rs777980682, gnomAD 0.003%). ClinVar contains an entry for this variant (Variation ID: 1411241). Algorithms developed to predict the effect of missense changes on protein structure and function are either unavailable or do not agree on the potential impact of this missense change (SIFT: "Tolerated"; PolyPhen-2: "Probably Damaging"; Align-GVGD: "Class C0"). In summary, the available evidence is currently insufficient to determine the role of this variant in disease. Therefore, it has been classified as a Variant of Uncertain Significance.

NM_015331.3(NCSTN):c.1099C>G (p.Gln367Glu)

Gene: NCSTN (nicastrin; plus strand). Cytogenetic location: 1q23.2.
Variant type: single nucleotide variant.
Coding change: c.1099C>G on transcript NM_015331.3 (MANE Select); coding-DNA position 1099, C replaced by G.
Protein change: p.Gln367Glu; replaces glutamine 367 with glutamic acid.
Molecular consequence: missense variant.
Genome position (GRCh38, 1-based): chr1:160,352,989, C>G. VCF-style: chr1-160352989-C-G. GRCh37 (hg19) VCF-style: chr1-160322779-C-G.
Other names: c.1039C>G, p.Gln347Glu (NM_001290184.2); c.685C>G, p.Gln229Glu (NM_001290186.2); c.1099C>G, p.Gln367Glu (NM_001349729.2); short protein forms Q229E, Q367E, Q347E.
Identifiers: ClinVar variation 1411241 (VCV001411241.6), dbSNP rs777980682, ClinGen allele CA1198889.